The following is an entry in ClinVar:

ClinVar aggregate classification (germline): Uncertain significance. Review status: criteria provided, multiple submitters, no conflicts (2 of 4 stars). 2 submissions from 2 submitters: Uncertain significance (2). Last evaluated 2025-06-23.

Conditions:
Cardiovascular phenotype. Identifiers: MedGen CN230736.
Long QT syndrome (LQTS). Identifiers: MedGen C0023976, MeSH D008133, MONDO:0002442. Disease mechanism: loss of function. Inheritance: Various modes of inheritance.

Allele frequency attached by ClinVar (database versions not stated): gnomAD exomes 0.00001 and 0.00004; TOPMed 0.00002; ExAC 0.00003.
gnomAD v4.1: 13 of 1,614,138 alleles (0.00081%); highest among the groups gnomAD compares: Admixed American, 0.022%; no homozygotes.

Submissions (2):

Labcorp Genetics (formerly Invitae), Labcorp
Classification: Uncertain significance for Long QT syndrome. Last evaluated: 2025-06-23. Review status: criteria provided, single submitter. Criteria: Invitae Variant Classification Sherloc (09022015). Collection method: clinical testing. Allele origin: germline.
Comment: This sequence change replaces glutamic acid, which is acidic and polar, with alanine, which is neutral and non-polar, at codon 3800 of the ANK2 protein (p.Glu3800Ala). This variant is present in population databases (rs773222006, gnomAD 0.03%). This variant has not been reported in the literature in individuals affected with ANK2-related conditions. ClinVar contains an entry for this variant (Variation ID: 1054132). An algorithm developed to predict the effect of missense changes on protein structure and function (PolyPhen-2) suggests that this variant is likely to be disruptive. In summary, the available evidence is currently insufficient to determine the role of this variant in disease. Therefore, it has been classified as a Variant of Uncertain Significance.

Ambry Genetics
Classification: Uncertain significance for Cardiovascular phenotype. Last evaluated: 2024-01-08. Review status: criteria provided, single submitter. Criteria: Ambry Variant Classification Scheme 2023. Collection method: clinical testing. Allele origin: germline.

NM_001148.6(ANK2):c.11399A>C (p.Glu3800Ala)

Gene: ANK2 (ankyrin 2; plus strand). Cytogenetic location: 4q26.
Variant type: single nucleotide variant.
Coding change: c.11399A>C on transcript NM_001148.6 (MANE Select); coding-DNA position 11399, A replaced by C.
Protein change: p.Glu3800Ala; replaces glutamic acid 3800 with alanine.
Molecular consequence: missense variant.
Genome position (GRCh38, 1-based): chr4:113,369,594, A>C. VCF-style: chr4-113369594-A-C. GRCh37 (hg19) VCF-style: chr4-114290750-A-C.
Other names: c.5117A>C, p.Glu1706Ala (NM_001127493.3); c.5156A>C, p.Glu1719Ala (NM_001354225.2); c.5045A>C, p.Glu1682Ala (NM_001354228.2, NM_001354258.2); c.5123A>C, p.Glu1708Ala (NM_001354230.2); c.5186A>C, p.Glu1729Ala (NM_001354231.2, NM_001354242.2); c.5180A>C, p.Glu1727Ala (NM_001354232.2); c.5141A>C, p.Glu1714Ala (NM_001354235.2, NM_001354246.2, NM_001354265.2); c.5042A>C, p.Glu1681Ala (NM_001354236.2); and 35 more; short protein forms E1554A, E1587A, E1615A, E1620A, E1628A, E1637A, E1640A, E1642A.
Identifiers: ClinVar variation 1054132 (VCV001054132.7), dbSNP rs773222006, ClinGen allele CA3052281.